The following is an entry in ClinVar:

ClinVar aggregate classification (germline): Uncertain significance (1 of 4 stars; one submission).

gnomAD v4.1: 9 of 1,539,076 alleles (0.00058%); highest among the groups gnomAD compares: African/African-American, 0.0014%; no homozygotes.

Submission:

Labcorp Genetics (formerly Invitae), Labcorp
Classification: Uncertain significance. Last evaluated: 2022-08-31. Review status: criteria provided, single submitter. Criteria: Invitae Variant Classification Sherloc (09022015). Collection method: clinical testing. Allele origin: germline.
Comment: This sequence change replaces proline with glutamine at codon 1101 of the COL18A1 protein (p.Pro1101Gln). There is a moderate physicochemical difference between proline and glutamine. The frequency data for this variant in the population databases is considered unreliable, as metrics indicate poor data quality at this position in the gnomAD database. This variant has not been reported in the literature in individuals affected with COL18A1-related conditions. ClinVar contains an entry for this variant (Variation ID: 1437808). Experimental studies and prediction algorithms are not available or were not evaluated, and the functional significance of this variant is currently unknown. In summary, the available evidence is currently insufficient to determine the role of this variant in disease. Therefore, it has been classified as a Variant of Uncertain Significance.

NM_001379500.1(COL18A1):c.3311C>A (p.Pro1104Gln)

Genes: COL18A1 (collagen type XVIII alpha 1 chain; plus strand), SLC19A1 (solute carrier family 19 member 1; minus strand). Cytogenetic location: 21q22.3.
Variant type: single nucleotide variant.
Coding change: c.3311C>A on transcript NM_001379500.1 (MANE Select); coding-DNA position 3311, C replaced by A.
Protein change: p.Pro1104Gln; replaces proline 1104 with glutamine.
Molecular consequence: missense variant.
Genome position (GRCh38, 1-based): chr21:45,509,417, C>A. VCF-style: chr21-45509417-C-A. GRCh37 (hg19) VCF-style: chr21-46929331-C-A.
Other names: c.4547C>A, p.Pro1516Gln (NM_130444.3); c.3842C>A, p.Pro1281Gln (NM_030582.4); short protein forms P1281Q, P1104Q, P1516Q.
Identifiers: ClinVar variation 1437808 (VCV001437808.5), dbSNP rs187670025, ClinGen allele CA10067848.